The following is an entry in ClinVar:

NM_000122.2(ERCC3):c.1346A>G (p.Lys449Arg)

Gene: ERCC3 (ERCC excision repair 3, TFIIH core complex helicase subunit; minus strand). Cytogenetic location: 2q14.3.
Variant type: single nucleotide variant.
Coding change: c.1346A>G on transcript NM_000122.2 (MANE Select); coding-DNA position 1346, A replaced by G.
Protein change: p.Lys449Arg; replaces lysine 449 with arginine.
Molecular consequence: missense variant.
Genome position (GRCh38, 1-based): chr2:127,280,628, T>C on the plus strand (A>G on the coding strand, the complement: ERCC3 is on the minus strand). VCF-style: chr2-127280628-T-C. GRCh37 (hg19) VCF-style: chr2-128038204-T-C.
Other names: c.1154A>G, p.Lys385Arg (NM_001303416.2, NM_001303418.2); short protein forms K385R, K449R.
Identifiers: ClinVar variation 1403729 (VCV001403729.11), dbSNP rs115481013, ClinGen allele CA1858283.

ClinVar aggregate classification (germline): Uncertain significance. Review status: criteria provided, multiple submitters, no conflicts (2 of 4 stars). 3 submissions from 3 submitters: Uncertain significance (3). Last evaluated 2025-12-16.

Allele frequency attached by ClinVar (database versions not stated): TOPMed 0.00005; gnomAD 0.00006 and 0.00007; gnomAD exomes 0.00009 and 0.00010; ExAC 0.00013; 1000 Genomes Project 30x 0.00047; 1000 Genomes Project 0.00060.
gnomAD v4.1: 159 of 1,613,956 alleles (0.0099%); highest among the groups gnomAD compares: Non-Finnish European, 0.013%; no homozygotes.

Submissions (5):

Labcorp Genetics (formerly Invitae), Labcorp
Classification: Uncertain significance. Last evaluated: 2025-12-16. Review status: criteria provided, single submitter. Criteria: Invitae Variant Classification Sherloc (09022015). Collection method: clinical testing. Allele origin: germline.
Comment: This sequence change replaces lysine, which is basic and polar, with arginine, which is basic and polar, at codon 449 of the ERCC3 protein (p.Lys449Arg). This variant is present in population databases (rs115481013, gnomAD 0.02%). This variant has not been reported in the literature in individuals affected with ERCC3-related conditions. ClinVar contains an entry for this variant (Variation ID: 1403729). Invitae Evidence Modeling of protein sequence and biophysical properties (such as structural, functional, and spatial information, amino acid conservation, physicochemical variation, residue mobility, and thermodynamic stability) indicates that this missense variant is not expected to disrupt ERCC3 protein function with a negative predictive value of 80%. Algorithms developed to predict the effect of sequence changes on RNA splicing suggest that this variant may create or strengthen a splice site. In summary, the available evidence is currently insufficient to determine the role of this variant in disease. Therefore, it has been classified as a Variant of Uncertain Significance.

Women's Health and Genetics/Laboratory Corporation of America, LabCorp
Classification: Uncertain significance. Last evaluated: 2024-03-14. Review status: criteria provided, single submitter. Criteria: LabCorp Variant Classification Summary - May 2015. Collection method: clinical testing. Allele origin: germline.
Comment: Variant summary: ERCC3 c.1346A>G (p.Lys449Arg) results in a conservative amino acid change located in the Helicase/UvrB, N-terminal domain (IPR006935) of the encoded protein sequence. Four of five in-silico tools predict a benign effect of the variant on protein function. The variant allele was found at a frequency of 9.2e-05 in 251110 control chromosomes (gnomAD). This frequency is not significantly higher than estimated for a pathogenic variant in ERCC3 causing Xeroderma Pigmentosum (9.2e-05 vs 0.00011), allowing no conclusion about variant significance. c.1346A>G has been reported in the literature in a heterozygous individual affected with early-onset skin cancer (Matakidou_2006). This report does not provide unequivocal conclusions about association of the variant with Xeroderma Pigmentosum. To our knowledge, no experimental evidence demonstrating an impact on protein function has been reported. The following publication has been ascertained in the context of this evaluation (PMID: 16550608). ClinVar contains an entry for this variant (Variation ID: 1403729). Based on the evidence outlined above, the variant was classified as uncertain significance.

Blueprint Genetics
Classification: Uncertain significance. Last evaluated: 2023-03-29. Review status: criteria provided, single submitter. Criteria: ACMG Guidelines, 2015. Collection method: clinical testing. Allele origin: germline.

Dr. Peter K. Rogan Lab, Western University
No classification provided (evidence only). Condition: Thyroid cancer, nonmedullary, 1. Review status: no classification provided. Collection method: in vitro. Allele origin: not applicable. Functional consequence: retained intron. Not counted in ClinVar's aggregate classification.

Dr. Peter K. Rogan Lab, Western University
No classification provided (evidence only). Condition: Uterine corpus endometrial carcinoma. Review status: no classification provided. Collection method: in vitro. Allele origin: not applicable. Functional consequence: retained intron. Not counted in ClinVar's aggregate classification.

Literature cited by the submitters: PubMed 16550608 (cited by Women's Health and Genetics/Laboratory Corporation of America, LabCorp).